The following is an entry in ClinVar:

NM_001367949.2(FAT3):c.13079T>A (p.Val4360Asp)

Genes: FAT3 (FAT atypical cadherin 3; plus strand), LOC126861293 (MED14-independent group 3 enhancer GRCh37_chr11:92621650-92622849; plus strand). Cytogenetic location: 11q14.3.
Variant type: single nucleotide variant.
Coding change: c.13079T>A on transcript NM_001367949.2 (MANE Select); coding-DNA position 13079, T replaced by A.
Protein change: p.Val4360Asp; replaces valine 4360 with aspartic acid.
Molecular consequence: missense variant. On other transcripts: intron variant (1).
Genome position (GRCh38, 1-based): chr11:92,889,216, T>A. VCF-style: chr11-92889216-T-A. GRCh37 (hg19) VCF-style: chr11-92622382-T-A.
Other names: c.13052-1275T>A (NM_001008781.3); short protein forms V4360D.
Identifiers: ClinVar variation 3774552 (VCV003774552.1).
Genomic context (GRCh38, chr11:92,889,216, plus strand): 5'-CCCCTACCTCCGACTTCTTTTCCTGACCACAAGCCTCCATAGTGACTGTCATTCAGCTTG[T>A]CAACAATGTAGTTGACACTATAGAGAATGAAGGTATTTACTTTTTTTCTTCCATAGCATT-3'
Protein context (NP_001354878.1, residues 4350-4370): NASIVTVIQL[Val4360Asp]NNVVDTIENE

ClinVar aggregate classification (germline): Uncertain significance (1 of 4 stars; one submission).

Conditions:
Familial meningioma. Also called: Meningioma, familial, susceptibility to. Identifiers: Orphanet 263662, MedGen C3551915, MONDO:0011789, OMIM 607174.

Submission:

Dr. Guy Rouleau's laboratory, McGill University
Classification: Uncertain significance for Familial meningioma. Last evaluated: 2025-03-22. Review status: criteria provided, single submitter. Criteria: ACMG Guidelines, 2015. Collection method: research. Allele origin: germline. Affected: yes.
Comment: This missense variant located at the position 4360, is change from Valine (V), neutral and nonpolar amino acid to Aspartic Acid (D), an acidic amino acid in FAT3 gene. This variant has not been reported in population database (gnomAD v2.1.1 no frequency, genome coverage 16X) .Based on the available evidence, the clinical significance of this variant is unknown.